The following is an entry in ClinVar:

NC_000023.10:g.(?_85218650)_(85223644_?)del

Gene: CHM (CHM Rab escort protein; minus strand). Cytogenetic location: Xq21.2.
Variant type: Deletion.
Identifiers: ClinVar variation 2423010 (VCV002423010.4).

ClinVar aggregate classification (germline): Pathogenic (1 of 4 stars; one submission).

Submission:

Labcorp Genetics (formerly Invitae), Labcorp
Classification: Pathogenic. Last evaluated: 2022-12-03. Review status: criteria provided, single submitter. Criteria: Invitae Variant Classification Sherloc (09022015). Collection method: clinical testing. Allele origin: germline.
Comment: For these reasons, this variant has been classified as Pathogenic. This variant has not been reported in the literature in individuals affected with CHM-related conditions. This variant is a gross deletion of the genomic region encompassing exon(s) 5 of the CHM gene. This deletion is out-of-frame, and is expected to create a premature termination codon and result in an absent or disrupted protein product. Loss-of-function variants in CHM are known to be pathogenic (PMID: 9067750, 23811034).

Literature cited by the submitters: PubMed 9067750; PubMed 23811034.